The following is an entry in ClinVar:

ClinVar aggregate classification (germline): Uncertain significance. Review status: criteria provided, multiple submitters, no conflicts (2 of 4 stars). 2 submissions from 2 submitters: Uncertain significance (2). Last evaluated 2025-06-12.

Conditions:
Cardiovascular phenotype. Identifiers: MedGen CN230736.
Alstrom syndrome (ALMS). Identifiers: Orphanet 64, MedGen C0268425, MONDO:0008763, OMIM 203800.

Submissions (2):

Labcorp Genetics (formerly Invitae), Labcorp
Classification: Uncertain significance for Alstrom syndrome. Last evaluated: 2025-06-12. Review status: criteria provided, single submitter. Criteria: Invitae Variant Classification Sherloc (09022015). Collection method: clinical testing. Allele origin: germline.
Comment: This variant, c.4137_4421del, results in the deletion of 95 amino acid(s) of the ALMS1 protein (p.Thr1380_Ser1474del), but otherwise preserves the integrity of the reading frame. This variant is not present in population databases (gnomAD no frequency). This variant has not been reported in the literature in individuals affected with ALMS1-related conditions. ClinVar contains an entry for this variant (Variation ID: 1401034). Experimental studies and prediction algorithms are not available or were not evaluated, and the functional significance of this variant is currently unknown. In summary, the available evidence is currently insufficient to determine the role of this variant in disease. Therefore, it has been classified as a Variant of Uncertain Significance.

Ambry Genetics
Classification: Uncertain significance for Cardiovascular phenotype. Last evaluated: 2025-01-02. Review status: criteria provided, single submitter. Criteria: Ambry Variant Classification Scheme 2023. Collection method: clinical testing. Allele origin: germline.
Comment: The c.4137_4421del285 variant (also known as p.T1380_S1474del), located in coding exon 8 of the ALMS1 gene, results from an in-frame deletion of 285 nucleotides at positions c.4137 to c.4421. This results in the in-frame deletion of 95 amino acids within coding exon 8. The resulting transcript is predicted to be in-frame and is not expected to trigger nonsense-mediated mRNAdecay. The exact functional effect of the missing amino acids is unknown. Based on the available evidence, the clinical significance of this alteration remains unclear.

NM_001378454.1(ALMS1):c.4134_4418del (p.Thr1379_Ser1473del)

Gene: ALMS1 (ALMS1 centrosome and basal body associated protein; plus strand). Cytogenetic location: 2p13.1.
Variant type: Deletion.
Coding change: c.4134_4418del on transcript NM_001378454.1 (MANE Select); coding-DNA positions 4134 to 4418, 285 bases deleted.
Protein change: p.Thr1379_Ser1473del.
Molecular consequence: inframe deletion.
Genome position (GRCh38, 1-based): chr2:73,450,661-73,450,945, 285 bases deleted. GRCh37 (hg19): chr2:73,677,788-73,678,072.
Other names: c.4137_4421del, p.Thr1380_Ser1474del (NM_015120.4); c.4137_4421del285 (NM_015120.4).
Identifiers: ClinVar variation 1401034 (VCV001401034.7), dbSNP rs2103781426, ClinGen allele CA2573135777.